The following is an entry in ClinVar:

ClinVar aggregate classification (germline): Uncertain significance. Review status: criteria provided, multiple submitters, no conflicts (2 of 4 stars). 4 submissions from 4 submitters: Uncertain significance (4). Last evaluated 2025-10-13.

Conditions:
Cardiovascular phenotype. Identifiers: MedGen CN230736.
Hypertrophic cardiomyopathy. Also called: HYPERTROPHIC MYOCARDIOPATHY. Identifiers: Orphanet 217569, MedGen C0007194, MeSH D002312, MONDO:0005045, HP:0001639.

Allele frequency attached by ClinVar (database versions not stated): gnomAD exomes below 0.00001 and 0.00001; ExAC 0.00001; gnomAD 0.00002 and 0.00003; TOPMed 0.00004; ESP Exome Variant Server 0.00008.
gnomAD v4.1: 6 of 1,607,390 alleles (0.00037%); highest among the groups gnomAD compares: African/African-American, 0.0067%; no homozygotes.

Submissions (4):

Labcorp Genetics (formerly Invitae), Labcorp
Classification: Uncertain significance for Hypertrophic cardiomyopathy. Last evaluated: 2025-10-13. Review status: criteria provided, single submitter. Criteria: Invitae Variant Classification Sherloc (09022015). Collection method: clinical testing. Allele origin: germline.
Comment: This sequence change replaces lysine, which is basic and polar, with glutamic acid, which is acidic and polar, at codon 1155 of the MYBPC3 protein (p.Lys1155Glu). The frequency data for this variant in the population databases is considered unreliable, as metrics indicate poor data quality at this position in the gnomAD database. This variant has not been reported in the literature in individuals affected with MYBPC3-related conditions. ClinVar contains an entry for this variant (Variation ID: 519052). An algorithm developed to predict the effect of missense changes on protein structure and function (PolyPhen-2) suggests that this variant is likely to be disruptive. In summary, the available evidence is currently insufficient to determine the role of this variant in disease. Therefore, it has been classified as a Variant of Uncertain Significance.

GeneDx
Classification: Uncertain significance. Last evaluated: 2024-12-16. Review status: criteria provided, single submitter. Criteria: GeneDx Variant Classification Process June 2021. Collection method: clinical testing. Allele origin: germline. Affected: yes.
Comment: Not observed at significant frequency in large population cohorts (gnomAD); In silico analysis supports that this missense variant has a deleterious effect on protein structure/function; Has not been previously published as pathogenic or benign to our knowledge

Ambry Genetics
Classification: Uncertain significance for Cardiovascular phenotype. Last evaluated: 2024-11-26. Review status: criteria provided, single submitter. Criteria: Ambry Variant Classification Scheme 2023. Collection method: clinical testing. Allele origin: germline.
Comment: The p.K1155E variant (also known as c.3463A>G), located in coding exon 31 of the MYBPC3 gene, results from an A to G substitution at nucleotide position 3463. The lysine at codon 1155 is replaced by glutamic acid, an amino acid with similar properties. This alteration was also reported in a subject from the Jackson Heart Study (Bick AG et al. Am. J. Hum. Genet., 2012 Sep;91:513-9). This amino acid position is well conserved in available vertebrate species. In addition, the in silico prediction for this alteration is inconclusive. Since supporting evidence is limited at this time, the clinical significance of this alteration remains unclear.

All of Us Research Program, National Institutes of Health
Classification: Uncertain significance for Hypertrophic cardiomyopathy. Last evaluated: 2024-08-06. Review status: criteria provided, single submitter. Criteria: ACMG Guidelines, 2015. Collection method: clinical testing. Allele origin: germline. Inheritance: Autosomal dominant inheritance. Observed: 3 variant alleles, 3 heterozygotes.
Comment: This missense variant replaces lysine with glutamic acid at codon 1155 of the MYBPC3 protein. Computational prediction suggests that this variant may not impact protein structure and function (internally defined REVEL score threshold <= 0.5, PMID: 27666373). To our knowledge, functional studies have not been reported for this variant. This variant has not been reported in individuals affected with cardiovascular disorders in the literature. This variant has been identified in 4/268710 chromosomes in the general population by the Genome Aggregation Database (gnomAD). The available evidence is insufficient to determine the role of this variant in disease conclusively. Therefore, this variant is classified as a Variant of Uncertain Significance.

This study involves interpretation of variants in research participants for the purpose of population health screening. Participant phenotype was not available at the time of variant classification. Additional details can be found in publication PMID: 35346344, PMCID: PMC8962531

Literature cited by the submitters: PubMed 22958901 (cited by Ambry Genetics).

NM_000256.3(MYBPC3):c.3463A>G (p.Lys1155Glu)

Gene: MYBPC3 (myosin binding protein C3; minus strand). Cytogenetic location: 11p11.2.
Variant type: single nucleotide variant.
Coding change: c.3463A>G on transcript NM_000256.3 (MANE Select); coding-DNA position 3463, A replaced by G.
Protein change: p.Lys1155Glu; replaces lysine 1155 with glutamic acid.
Molecular consequence: missense variant.
Genome position (GRCh38, 1-based): chr11:47,332,841, T>C on the plus strand (A>G on the coding strand, the complement: MYBPC3 is on the minus strand). VCF-style: chr11-47332841-T-C. GRCh37 (hg19) VCF-style: chr11-47354392-T-C.
Other names: c.3463A>G, p.Lys1155Glu (LRG_386t1); short protein forms K1155E.
Identifiers: ClinVar variation 519052 (VCV000519052.17), dbSNP rs377352427, ClinGen allele CA079384.
Genomic context (GRCh38, chr11:47,332,841, plus strand): 5'-CAGCCCCTGGTTGGAAGAATGAGGGTACAGCACCTGGTCTGGGGATAAAGACGGGCTCCT[T>C]GGTGGTGGCCGCTCTGTCACTAAAGCCAACCATATTCTGGCTGAAGACGCGGAAGTAGTA-3'
Protein context (NP_000247.2, residues 1145-1165): VGFSDRAATT[Lys1155Glu]EPVFIPRPGI